The following is an entry in ClinVar:

ClinVar aggregate classification (germline): Uncertain significance. Review status: criteria provided, multiple submitters, no conflicts (2 of 4 stars). 5 submissions from 5 submitters: Uncertain significance (5). Last evaluated 2024-01-16.

Conditions:
Polycystic kidney disease, adult type (PKD1). Also called: Polycystic Kidney, Autosomal Dominant; POLYCYSTIC KIDNEY DISEASE 1 WITH OR WITHOUT POLYCYSTIC LIVER DISEASE; POLYCYSTIC KIDNEY DISEASE, ADULT, TYPE I; Polycystic Kidney Disease 1, Autosomal Dominant; Polycystic kidney disease 1; Polycystic kidney disease 1, severe. Identifiers: MedGen C3149841, MONDO:0008263, OMIM 173900.

Allele frequency attached by ClinVar (database versions not stated): gnomAD exomes below 0.00001 and 0.00001; ExAC 0.00001; gnomAD 0.00001; TOPMed 0.00002; 1000 Genomes Project 30x 0.00016; 1000 Genomes Project 0.00020.
gnomAD v4.1: 6 of 1,608,024 alleles (0.00037%); highest among the groups gnomAD compares: East Asian, 0.0022%; no homozygotes.

Submissions (5):

Fulgent Genetics
Classification: Uncertain significance for Polycystic kidney disease, adult type. Last evaluated: 2024-01-16. Review status: criteria provided, single submitter. Criteria: ACMG Guidelines, 2015. Collection method: clinical testing. Allele origin: germline.

Blueprint Genetics
Classification: Uncertain significance. Last evaluated: 2023-10-10. Review status: criteria provided, single submitter. Criteria: ACMG Guidelines, 2015. Collection method: clinical testing. Allele origin: germline.

Department of Pathology and Laboratory Medicine, Sinai Health System
Classification: Uncertain significance for Polycystic kidney disease, adult type. Last evaluated: 2023-06-22. Review status: criteria provided, single submitter. Criteria: ACMG Guidelines, 2015. Collection method: clinical testing. Allele origin: germline.

Victorian Clinical Genetics Services, Murdoch Childrens Research Institute
Classification: Uncertain significance for Polycystic kidney disease, adult type. Last evaluated: 2020-05-01. Review status: criteria provided, single submitter. Criteria: ACMG Guidelines, 2015. Collection method: clinical testing. Allele origin: germline. Inheritance: Autosomal dominant inheritance. Affected: yes.
Comment: Based on the classification scheme VCGS_Germline_v1.1.1, this variant is classified as 3B-VUS. Following criteria are met: 0102 - Loss-of-function is a known mechanism of disease for this gene. (N) 0107 - This gene is known to be associated with autosomal dominant polycystic kidney disease (OMIM), primarily caused by monoallelic variants with rare reports of bi-allelic variants causing disease. (N) 0112 - Variants in this gene are known to have reduced penetrance (PMID: 26200945; 22034641). (N) 0200 - Variant is predicted to result in a missense amino acid change from alanine to threonine (exon 15). (N) 0251 - Variant is heterozygous. (N) 0302 - Variant is present in gnomAD <0.001 for a dominant condition (2/245392 Heterozygous, 0 Homozygous). (P) 0309 - An alternative amino acid change from alanine to valine at the same position has been observed in gnomAD (9/276794 Heterozygous, 0 Homozygous). (N) 0502 - Missense variant with conflicting in silico predictions. (N) 0600 - Variant is located in polycystic kidney disease (PKD) domain (UniProt). (N) 0704 - A comparable amino acid change from alanine to proline has low previous evidence for pathogenicity (PMID: 29801666). (P) 0804 - Variant is present in the population and has previously been described once as a variant of uncertain significance in ClinVar. (N) 0905 - No segregation evidence has been identified for this variant. (N) 1007 - No published functional evidence has been identified for this variant. (N) 1208 - Inheritance information for this variant is not currently available. (N) Legend: (P) - Pathogenic, (N) - Neutral, (B) - Benign

Athena Diagnostics
Classification: Uncertain significance. Last evaluated: 2017-04-18. Review status: criteria provided, single submitter. Criteria: Athena Diagnostics Criteria. Collection method: clinical testing. Allele origin: germline.

Literature cited by the submitters: PubMed 22034641 (cited by Victorian Clinical Genetics Services, Murdoch Childrens Research Institute); PubMed 26200945 (cited by Victorian Clinical Genetics Services, Murdoch Childrens Research Institute); PubMed 29801666 (cited by Victorian Clinical Genetics Services, Murdoch Childrens Research Institute).

NM_001009944.3(PKD1):c.6124G>A (p.Ala2042Thr)

Gene: PKD1 (polycystin 1, transient receptor potential channel interacting; minus strand). Cytogenetic location: 16p13.3.
Variant type: single nucleotide variant.
Coding change: c.6124G>A on transcript NM_001009944.3 (MANE Select); coding-DNA position 6124, G replaced by A.
Protein change: p.Ala2042Thr; replaces alanine 2042 with threonine.
Molecular consequence: missense variant.
Genome position (GRCh38, 1-based): chr16:2,109,043, C>T on the plus strand (G>A on the coding strand, the complement: PKD1 is on the minus strand). VCF-style: chr16-2109043-C-T. GRCh37 (hg19) VCF-style: chr16-2159044-C-T.
Other names: c.6124G>A, p.Ala2042Thr (NM_000296.4); short protein forms A2042T.
Identifiers: ClinVar variation 447992 (VCV000447992.5), dbSNP rs556681288, ClinGen allele CA7831712.
Genomic context (GRCh38, chr16:2,109,043, plus strand): 5'-GGACGGCGTCCTGAACCTCCAGCACCAGCGTGCGGTTCTCACTGCCCAGGGCGTTGAAGG[C>T]GCGCACCTGGATCTCCAACAGCCCCGCGGCCACGGGCGTGTAGGTGACGTCGCGGCCCGA-3'
Protein context (NP_001009944.3, residues 2032-2052): AAGLLEIQVR[Ala2042Thr]FNALGSENRT